The following is an entry in ClinVar:

NM_017636.4(TRPM4):c.3126G>A (p.Met1042Ile)

Gene: TRPM4 (transient receptor potential cation channel subfamily M member 4; plus strand). Cytogenetic location: 19q13.33.
Variant type: single nucleotide variant.
Coding change: c.3126G>A on transcript NM_017636.4 (MANE Select); coding-DNA position 3126, G replaced by A.
Protein change: p.Met1042Ile; replaces methionine 1042 with isoleucine.
Molecular consequence: missense variant.
Genome position (GRCh38, 1-based): chr19:49,202,136, G>A. VCF-style: chr19-49202136-G-A. GRCh37 (hg19) VCF-style: chr19-49705393-G-A.
Other names: c.2604G>A, p.Met868Ile (NM_001321283.2); c.2064G>A, p.Met688Ile (NM_001321285.2); c.2691G>A, p.Met897Ile (NM_001195227.2); c.2781G>A, p.Met927Ile (NM_001321281.2); c.1518G>A, p.Met506Ile (NM_001321282.2); short protein forms M506I, M897I, M927I, M688I, M1042I, M868I.
Identifiers: ClinVar variation 1727899 (VCV001727899.3), dbSNP rs2514210225, ClinGen allele CA406813010.

ClinVar aggregate classification (germline): Uncertain significance (1 of 4 stars; one submission).

Conditions:
Cardiovascular phenotype. Identifiers: MedGen CN230736.

Submission:

Ambry Genetics
Classification: Uncertain significance for Cardiovascular phenotype. Last evaluated: 2022-04-19. Review status: criteria provided, single submitter. Criteria: Ambry Variant Classification Scheme 2023. Collection method: clinical testing. Allele origin: germline.
Comment: The p.M1042I variant (also known as c.3126G>A), located in coding exon 20 of the TRPM4 gene, results from a G to A substitution at nucleotide position 3126. The methionine at codon 1042 is replaced by isoleucine, an amino acid with highly similar properties. This amino acid position is conserved. In addition, the in silico prediction for this alteration is inconclusive. Since supporting evidence is limited at this time, the clinical significance of this alteration remains unclear.